The following is an entry in ClinVar:

NM_001330700.2(TOP2B):c.1366A>G (p.Ile456Val)

Gene: TOP2B (DNA topoisomerase II beta; minus strand). Cytogenetic location: 3p24.2.
Variant type: single nucleotide variant.
Coding change: c.1366A>G on transcript NM_001330700.2 (MANE Select); coding-DNA position 1366, A replaced by G.
Protein change: p.Ile456Val; replaces isoleucine 456 with valine.
Molecular consequence: missense variant.
Genome position (GRCh38, 1-based): chr3:25,630,840, T>C on the plus strand (A>G on the coding strand, the complement: TOP2B is on the minus strand). VCF-style: chr3-25630840-T-C. GRCh37 (hg19) VCF-style: chr3-25672331-T-C.
Other names: c.1351A>G, p.Ile451Val (NM_001068.3); short protein forms I451V, I456V.
Identifiers: ClinVar variation 4189037 (VCV004189037.2).
Genomic context (GRCh38, chr3:25,630,840, plus strand): 5'-ATTTAAAAATATCAATCTTACCAGCATCATTAGCATCATCCAGTTTGGGAATACCTTTGA[T>C]TTTACTGTATTTTACTGATGAACACTTCTTATTCAGCTGAGTCTGAGCCTTAAATTTCAC-3'
Protein context (NP_001317629.1, residues 446-466): KKCSSVKYSK[Ile456Val]KGIPKLDDAN

ClinVar aggregate classification (germline): Uncertain significance. Review status: criteria provided, multiple submitters, no conflicts (2 of 4 stars). 2 submissions from 2 submitters: Uncertain significance (2). Last evaluated 2025-10-18.

gnomAD v4.1: 5 of 1,595,032 alleles (0.00031%); highest among the groups gnomAD compares: Non-Finnish European, 0.00034%; no homozygotes.

Submissions (2):

Labcorp Genetics (formerly Invitae), Labcorp
Classification: Uncertain significance. Last evaluated: 2025-10-18. Review status: criteria provided, single submitter. Criteria: Invitae Variant Classification Sherloc (09022015). Collection method: clinical testing. Allele origin: germline.
Comment: This sequence change replaces isoleucine, which is neutral and non-polar, with valine, which is neutral and non-polar, at codon 451 of the TOP2B protein (p.Ile451Val). This variant is present in population databases (rs777365271, gnomAD 0.004%). This variant has not been reported in the literature in individuals affected with TOP2B-related conditions. An algorithm developed to predict the effect of missense changes on protein structure and function (PolyPhen-2) suggests that this variant is likely to be tolerated. In summary, the available evidence is currently insufficient to determine the role of this variant in disease. Therefore, it has been classified as a Variant of Uncertain Significance.

Ambry Genetics
Classification: Uncertain significance. Last evaluated: 2025-06-24. Review status: criteria provided, single submitter. Criteria: Ambry Variant Classification Scheme 2023. Collection method: clinical testing. Allele origin: germline.